The following is an entry in ClinVar:

ClinVar aggregate classification (germline): Uncertain significance (1 of 4 stars; one submission).

Conditions:
Long QT syndrome (LQTS). Identifiers: MedGen C0023976, MeSH D008133, MONDO:0002442. Disease mechanism: loss of function. Inheritance: Various modes of inheritance.

gnomAD v4.1: 2 of 1,614,004 alleles (0.00012%); highest among the groups gnomAD compares: Non-Finnish European, 0.00017%; no homozygotes.

Submission:

Labcorp Genetics (formerly Invitae), Labcorp
Classification: Uncertain significance for Long QT syndrome. Last evaluated: 2025-07-06. Review status: criteria provided, single submitter. Criteria: Invitae Variant Classification Sherloc (09022015). Collection method: clinical testing. Allele origin: germline.
Comment: This sequence change replaces isoleucine, which is neutral and non-polar, with threonine, which is neutral and polar, at codon 2146 of the AKAP9 protein (p.Ile2146Thr). This variant is not present in population databases (gnomAD no frequency). This variant has not been reported in the literature in individuals affected with AKAP9-related conditions. An algorithm developed to predict the effect of missense changes on protein structure and function (PolyPhen-2) suggests that this variant is likely to be disruptive. In summary, the available evidence is currently insufficient to determine the role of this variant in disease. Therefore, it has been classified as a Variant of Uncertain Significance.

NM_005751.5(AKAP9):c.6437T>C (p.Ile2146Thr)

Gene: AKAP9 (A-kinase anchoring protein 9; plus strand). Cytogenetic location: 7q21.2.
Variant type: single nucleotide variant.
Coding change: c.6437T>C on transcript NM_005751.5 (MANE Select); coding-DNA position 6437, T replaced by C.
Protein change: p.Ile2146Thr; replaces isoleucine 2146 with threonine.
Molecular consequence: missense variant.
Genome position (GRCh38, 1-based): chr7:92,070,136, T>C. VCF-style: chr7-92070136-T-C. GRCh37 (hg19) VCF-style: chr7-91699450-T-C.
Other names: c.1082T>C, p.Ile361Thr (NM_001379277.1); c.6437T>C, p.Ile2146Thr (NM_147185.3); short protein forms I361T, I2146T.
Identifiers: ClinVar variation 4717652 (VCV004717652.1).
Genomic context (GRCh38, chr7:92,070,136, plus strand): 5'-GTGAGCTTTTGCTCTCTAAAGAGCAGCTTCAAAGGGATATACAAGAAAGGAATGAAGAAA[T>C]AGAGAAACTGGAGTTCAGAGTAAGAGAACTGGAGCAGGCGCTTCTTGTGAGTGCAGATAC-3'
Protein context (NP_005742.4, residues 2136-2156): QRDIQERNEE[Ile2146Thr]EKLEFRVREL